The following is an entry in ClinVar:

NM_001374736.1(DST):c.13024C>T (p.Leu4342Phe)

Gene: DST (dystonin; minus strand). Cytogenetic location: 6p12.1.
Variant type: single nucleotide variant.
Coding change: c.13024C>T on transcript NM_001374736.1 (MANE Select); coding-DNA position 13024, C replaced by T.
Protein change: p.Leu4342Phe; replaces leucine 4342 with phenylalanine.
Molecular consequence: missense variant.
Genome position (GRCh38, 1-based): chr6:56,578,817, G>A on the plus strand (C>T on the coding strand, the complement: DST is on the minus strand). VCF-style: chr6-56578817-G-A. GRCh37 (hg19) VCF-style: chr6-56443615-G-A.
Other names: p.Leu1719Phe; c.6667C>T, p.Leu2223Phe (NM_001144769.5); c.6253C>T, p.Leu2085Phe (NM_001144770.2); c.13024C>T, p.Leu4342Phe (NM_001374722.1); c.12391C>T, p.Leu4131Phe (NM_001374729.1); c.6133C>T, p.Leu2045Phe (NM_001374730.1, NM_001386100.1, NM_183380.4); c.13051C>T, p.Leu4351Phe (NM_001374734.1); c.5155C>T, p.Leu1719Phe (NM_015548.5); short protein forms L2223F, L4351F, L1719F, L4131F, L4342F, L2085F, L2045F.
Identifiers: ClinVar variation 1416730 (VCV001416730.8), dbSNP rs778308562, ClinGen allele CA3868316.
Genomic context (GRCh38, chr6:56,578,817, plus strand): 5'-GACACCTTTCTTTAGAATTTACCTGTGAGACAGGAAGCAAGGACATGAATATCTTACCAA[G>A]TGTTTTCTGGATATCATTCTTGGCTGGAAGTAAAGATCCCCTGGCATCTAAAAGCACTTC-3'
Protein context (NP_001361665.1, residues 4332-4352): LPAKNDIQKT[Leu4342Phe]DDIVGRYEDL

ClinVar aggregate classification (germline): Uncertain significance. Review status: criteria provided, multiple submitters, no conflicts (2 of 4 stars). 2 submissions from 2 submitters: Uncertain significance (2). Last evaluated 2022-03-17.

Conditions:
Hereditary sensory and autonomic neuropathy type 6. Also called: HSAN VI; Neuropathy, hereditary sensory and autonomic, type VI. Identifiers: Orphanet 314381, MedGen C3539003, MONDO:0013839, OMIM 614653.
Epidermolysis bullosa simplex 3, localized or generalized intermediate, with BP230 deficiency (EBS3). Also called: Epidermolysis bullosa simplex, autosomal recessive 2; Epidermolysis bullosa simplex due to BP230 deficiency. Identifiers: Orphanet 412181, MedGen C3809470, MONDO:0014180, OMIM 615425.

gnomAD v4.1: 3 of 1,611,968 alleles (0.00019%); highest among the groups gnomAD compares: Admixed American, 0.0033%; no homozygotes.

Submissions (2):

Labcorp Genetics (formerly Invitae), Labcorp
Classification: Uncertain significance for Epidermolysis bullosa simplex 3, localized or generalized intermediate, with BP230 deficiency; Hereditary sensory and autonomic neuropathy type 6. Last evaluated: 2022-03-17. Review status: criteria provided, single submitter. Criteria: Invitae Variant Classification Sherloc (09022015). Collection method: clinical testing. Allele origin: germline.
Comment: The DST gene has multiple clinically relevant transcripts. This variant occurs in alternate transcript NM_015548.4, and corresponds to NM_001723.5:c.*36700C>T in the primary transcript. This sequence change replaces leucine, which is neutral and non-polar, with phenylalanine, which is neutral and non-polar, at codon 1719 of the DST protein (p.Leu1719Phe). This variant is present in population databases (rs778308562, gnomAD 0.006%). This variant has not been reported in the literature in individuals affected with DST-related conditions. Experimental studies and prediction algorithms are not available or were not evaluated, and the functional significance of this variant is currently unknown. In summary, the available evidence is currently insufficient to determine the role of this variant in disease. Therefore, it has been classified as a Variant of Uncertain Significance.

Mayo Clinic Laboratories, Mayo Clinic
Classification: Uncertain significance. Last evaluated: 2021-04-15. Review status: criteria provided, single submitter. Criteria: ACMG Guidelines, 2015. Collection method: clinical testing. Allele origin: germline.